The following is an entry in ClinVar:

NM_014633.5(CTR9):c.2036A>G (p.Asp679Gly)

Gene: CTR9 (CTR9 component of Paf1/RNA polymerase II complex; plus strand). Cytogenetic location: 11p15.4.
Variant type: single nucleotide variant.
Coding change: c.2036A>G on transcript NM_014633.5 (MANE Select); coding-DNA position 2036, A replaced by G.
Protein change: p.Asp679Gly; replaces aspartic acid 679 with glycine.
Molecular consequence: missense variant.
Genome position (GRCh38, 1-based): chr11:10,768,418, A>G. VCF-style: chr11-10768418-A-G. GRCh37 (hg19) VCF-style: chr11-10789965-A-G.
Other names: c.2036A>G, p.Asp679Gly (NM_001346279.2); short protein forms D679G.
Identifiers: ClinVar variation 1906931 (VCV001906931.5), dbSNP rs2539385005, ClinGen allele CA379674224.

ClinVar aggregate classification (germline): Uncertain significance (1 of 4 stars; one submission).

Allele frequency attached by ClinVar (database versions not stated): gnomAD exomes below 0.00001.
gnomAD v4.1: 1 of 1,614,156 alleles (0.000062%); highest among the groups gnomAD compares: Non-Finnish European, 0.000085%; no homozygotes.

Submission:

Labcorp Genetics (formerly Invitae), Labcorp
Classification: Uncertain significance. Last evaluated: 2024-04-16. Review status: criteria provided, single submitter. Criteria: Invitae Variant Classification Sherloc (09022015). Collection method: clinical testing. Allele origin: germline.
Comment: This sequence change replaces aspartic acid, which is acidic and polar, with glycine, which is neutral and non-polar, at codon 679 of the CTR9 protein (p.Asp679Gly). This variant is not present in population databases (gnomAD no frequency). This variant has not been reported in the literature in individuals affected with CTR9-related conditions. ClinVar contains an entry for this variant (Variation ID: 1906931). An algorithm developed to predict the effect of missense changes on protein structure and function (PolyPhen-2) suggests that this variant is likely to be disruptive. In summary, the available evidence is currently insufficient to determine the role of this variant in disease. Therefore, it has been classified as a Variant of Uncertain Significance.